The following is an entry in ClinVar:

ClinVar aggregate classification (germline): Uncertain significance. Review status: criteria provided, multiple submitters, no conflicts (2 of 4 stars). 8 submissions from 6 submitters: Uncertain significance (7). 1 of the submissions does not count toward it. Last evaluated 2025-01-14.

Conditions:
Retinitis pigmentosa 12 (RP12). Also called: RP WITH OR WITHOUT PRESERVED PARAARTERIOLE RETINAL PIGMENT EPITHELIUM; RETINITIS PIGMENTOSA WITH OR WITHOUT PARAARTERIOLAR PRESERVATION OF RETINAL PIGMENT EPITHELIUM; RP WITH OR WITHOUT PPRPE. Identifiers: Orphanet 791, MedGen C1838647, MONDO:0010818, OMIM 600105.
Leber congenital amaurosis 8 (LCA8). Identifiers: Orphanet 65, MedGen C3151202, MONDO:0013453, OMIM 613835.
Pigmented paravenous retinochoroidal atrophy. Identifiers: Orphanet 251295, MedGen C1868310, MONDO:0008246, OMIM 172870.
Leber congenital amaurosis (LCA). Also called: Leber's amaurosis. Identifiers: Orphanet 65, MedGen C0339527, MeSH D057130, MONDO:0018998.
CRB1-related disorder. Also called: CRB1-related disorders; CRB1-related condition.

Allele frequency attached by ClinVar (database versions not stated): ExAC 0.00003; gnomAD exomes 0.00007; gnomAD 0.00009 and 0.00011; TOPMed 0.00015.

Submissions (8):

PreventionGenetics, part of Exact Sciences
Classification: Uncertain significance for CRB1-related condition. Last evaluated: 2025-01-14. Review status: criteria provided, single submitter. Criteria: ACMG Guidelines, 2015. Collection method: clinical testing. Allele origin: germline.
Comment: The CRB1 c.2488A>T variant is predicted to result in the amino acid substitution p.Ile830Phe. This variant has been reported in the absence of a second CRB1 variant in an individual with retinitis pigmentosa (Table S6, Glöckle et al. 2014. PubMed ID: 23591405). This variant is present in 0.038% of alleles in individuals of Latino descent in gnomAD. At this time, the clinical significance of this variant is uncertain due to the absence of conclusive functional and genetic evidence.

Labcorp Genetics (formerly Invitae), Labcorp
Classification: Uncertain significance for Leber congenital amaurosis 8; Retinitis pigmentosa 12. Last evaluated: 2024-11-05. Review status: criteria provided, single submitter. Criteria: Invitae Variant Classification Sherloc (09022015). Collection method: clinical testing. Allele origin: germline.
Comment: This sequence change replaces isoleucine, which is neutral and non-polar, with phenylalanine, which is neutral and non-polar, at codon 830 of the CRB1 protein (p.Ile830Phe). This variant is present in population databases (rs779451259, gnomAD 0.04%). This missense change has been observed in individual(s) with retinitis pigmentosa (PMID: 23591405). ClinVar contains an entry for this variant (Variation ID: 843620). Invitae Evidence Modeling of protein sequence and biophysical properties (such as structural, functional, and spatial information, amino acid conservation, physicochemical variation, residue mobility, and thermodynamic stability) has been performed for this missense variant. However, the output from this modeling did not meet the statistical confidence thresholds required to predict the impact of this variant on CRB1 protein function. In summary, the available evidence is currently insufficient to determine the role of this variant in disease. Therefore, it has been classified as a Variant of Uncertain Significance.

Genome-Nilou Lab
Classification: Uncertain significance for Leber congenital amaurosis 8. Last evaluated: 2023-04-11. Review status: criteria provided, single submitter. Criteria: ACMG Guidelines, 2015. Collection method: clinical testing. Allele origin: germline. Affected: no.

Genome-Nilou Lab
Classification: Uncertain significance for Pigmented paravenous retinochoroidal atrophy. Last evaluated: 2023-04-11. Review status: criteria provided, single submitter. Criteria: ACMG Guidelines, 2015. Collection method: clinical testing. Allele origin: germline. Affected: no.

Genome-Nilou Lab
Classification: Uncertain significance for Retinitis pigmentosa 12. Last evaluated: 2023-04-11. Review status: criteria provided, single submitter. Criteria: ACMG Guidelines, 2015. Collection method: clinical testing. Allele origin: germline. Affected: no.

Fulgent Genetics
Classification: Uncertain significance for Pigmented paravenous retinochoroidal atrophy; Retinitis pigmentosa 12; Leber congenital amaurosis 8. Last evaluated: 2021-10-11. Review status: criteria provided, single submitter. Criteria: ACMG Guidelines, 2015. Collection method: clinical testing. Allele origin: unknown.

Blueprint Genetics
Classification: Uncertain significance. Last evaluated: 2021-07-20. Review status: criteria provided, single submitter. Criteria: ACMG Guidelines, 2015. Collection method: clinical testing. Allele origin: germline.

Natera, Inc.
Classification: Uncertain significance for Leber congenital amaurosis. Last evaluated: 2020-09-16. Review status: no assertion criteria provided. Collection method: clinical testing. Allele origin: germline. Not counted in ClinVar's aggregate classification.

Literature cited by the submitters: PubMed 23591405 (cited by Labcorp Genetics (formerly Invitae), Labcorp).

NM_201253.3(CRB1):c.2488A>T (p.Ile830Phe)

Gene: CRB1 (crumbs cell polarity complex component 1; plus strand). Cytogenetic location: 1q31.3.
Variant type: single nucleotide variant.
Coding change: c.2488A>T on transcript NM_201253.3 (MANE Select); coding-DNA position 2488, A replaced by T.
Protein change: p.Ile830Phe; replaces isoleucine 830 with phenylalanine.
Molecular consequence: missense variant. On other transcripts: non-coding transcript variant (2), intron variant (1).
Genome position (GRCh38, 1-based): chr1:197,427,813, A>T. VCF-style: chr1-197427813-A-T. GRCh37 (hg19) VCF-style: chr1-197396943-A-T.
Other names: c.2152A>T, p.Ile718Phe (NM_001193640.2); c.2281A>T, p.Ile761Phe (NM_001257965.2); c.2128+5857A>T (NM_001257966.2); short protein forms I718F, I830F, I761F.
Identifiers: ClinVar variation 843620 (VCV000843620.8), dbSNP rs779451259, ClinGen allele CA1312128.
Genomic context (GRCh38, chr1:197,427,813, plus strand): 5'-TCTTCACAAAACCTAGGATTTATTTCTGCTTCTACGTGGAAAATCGAAAAGGGAGATGTC[A>T]TCTACATTGGTGGCCTACCTGACAAGCAAGAGACTGAACTTAATGGTGGATTCTTCAAAG-3'
Protein context (NP_957705.1, residues 820-840): STWKIEKGDV[Ile830Phe]YIGGLPDKQE